The following is an entry in ClinVar:

NM_000368.5(TSC1):c.2339G>A (p.Arg780Lys)

Gene: TSC1 (TSC complex subunit 1; minus strand). Cytogenetic location: 9q34.13.
Variant type: single nucleotide variant.
Coding change: c.2339G>A on transcript NM_000368.5 (MANE Select); coding-DNA position 2339, G replaced by A.
Protein change: p.Arg780Lys; replaces arginine 780 with lysine.
Molecular consequence: missense variant.
Genome position (GRCh38, 1-based): chr9:132,902,657, C>T on the plus strand (G>A on the coding strand, the complement: TSC1 is on the minus strand). VCF-style: chr9-132902657-C-T. GRCh37 (hg19) VCF-style: chr9-135778044-C-T.
Other names: c.2336G>A, p.Arg779Lys (NM_001162426.2); c.2186G>A, p.Arg729Lys (NM_001162427.2); c.1976G>A, p.Arg659Lys (NM_001362177.2); short protein forms R659K, R729K, R780K, R779K.
Identifiers: ClinVar variation 1039718 (VCV001039718.35), dbSNP rs1845445479, ClinGen allele CA375359420.

ClinVar aggregate classification (germline): Uncertain significance. Review status: criteria provided, multiple submitters, no conflicts (2 of 4 stars). 6 submissions from 6 submitters: Uncertain significance (6). Last evaluated 2025-11-24.

Conditions:
Tuberous sclerosis 1 (TSC1). Identifiers: Orphanet 805, MedGen C1854465, MONDO:0008612, OMIM 191100.
Hereditary cancer-predisposing syndrome. Also called: Tumor predisposition; Hereditary neoplastic syndrome; Neoplastic Syndromes, Hereditary; Hereditary Cancer Syndrome. Identifiers: Orphanet 140162, MedGen C0027672, MeSH D009386, MONDO:0015356.
Tuberous sclerosis syndrome (TSC). Also called: Tuberous Sclerosis Complex; Tuberous sclerosis. Identifiers: Orphanet 805, MedGen C0041341, MONDO:0001734.

Allele frequency attached by ClinVar (database versions not stated): gnomAD exomes below 0.00001.
gnomAD v4.1: 2 of 1,614,194 alleles (0.00012%); highest among the groups gnomAD compares: Non-Finnish European, 0.00017%; no homozygotes.

Submissions (6):

Color Diagnostics, LLC DBA Color Health
Classification: Uncertain significance for Tuberous sclerosis syndrome. Last evaluated: 2025-11-24. Review status: criteria provided, single submitter. Criteria: ACMG Guidelines, 2015. Collection method: clinical testing. Allele origin: germline.
Comment: This missense variant replaces arginine with lysine at codon 780 of the TSC1 protein. Computational prediction suggests that this variant may not impact protein structure and function. To our knowledge, functional studies have not been reported for this variant. This variant has not been reported in individuals affected with TSC1-related disorders in the literature. This variant has not been identified in the general population by the Genome Aggregation Database (gnomAD). The available evidence is insufficient to determine the role of this variant in disease conclusively. Therefore, this variant is classified as a Variant of Uncertain Significance.

Labcorp Genetics (formerly Invitae), Labcorp
Classification: Uncertain significance for Tuberous sclerosis 1. Last evaluated: 2025-10-23. Review status: criteria provided, single submitter. Criteria: Invitae Variant Classification Sherloc (09022015). Collection method: clinical testing. Allele origin: germline.
Comment: This sequence change replaces arginine, which is basic and polar, with lysine, which is basic and polar, at codon 780 of the TSC1 protein (p.Arg780Lys). This variant is not present in population databases (gnomAD no frequency). This variant has not been reported in the literature in individuals affected with TSC1-related conditions. ClinVar contains an entry for this variant (Variation ID: 1039718). Invitae Evidence Modeling of protein sequence and biophysical properties (such as structural, functional, and spatial information, amino acid conservation, physicochemical variation, residue mobility, and thermodynamic stability) indicates that this missense variant is not expected to disrupt TSC1 protein function with a negative predictive value of 95%. In summary, the available evidence is currently insufficient to determine the role of this variant in disease. Therefore, it has been classified as a Variant of Uncertain Significance.

Ambry Genetics
Classification: Uncertain significance for Hereditary cancer-predisposing syndrome. Last evaluated: 2025-09-27. Review status: criteria provided, single submitter. Criteria: Ambry Variant Classification Scheme 2023. Collection method: clinical testing. Allele origin: germline.
Comment: The p.R780K variant (also known as c.2339G>A), located in coding exon 16 of the TSC1 gene, results from a G to A substitution at nucleotide position 2339. The arginine at codon 780 is replaced by lysine, an amino acid with highly similar properties. This amino acid position is conserved. In addition, this alteration is predicted to be tolerated by in silico analysis. Since supporting evidence is limited at this time, the clinical significance of this alteration remains unclear.

CeGaT Center for Human Genetics Tuebingen
Classification: Uncertain significance. Last evaluated: 2024-03-01. Review status: criteria provided, single submitter. Criteria: CeGaT Center For Human Genetics Tuebingen Variant Classification Criteria Version 2. Collection method: clinical testing. Allele origin: germline. Affected: yes. Observed: 1 variant allele.
Comment: TSC1: PM2

Genome-Nilou Lab
Classification: Uncertain significance for Tuberous sclerosis 1. Last evaluated: 2021-11-07. Review status: criteria provided, single submitter. Criteria: ACMG Guidelines, 2015. Collection method: clinical testing. Allele origin: germline. Affected: no.

GeneDx
Classification: Uncertain significance. Last evaluated: 2019-08-08. Review status: criteria provided, single submitter. Criteria: GeneDx Variant Classification Process June 2021. Collection method: clinical testing. Allele origin: germline. Affected: yes.
Comment: Not observed in large population cohorts (Lek et al., 2016); In silico analysis, which includes protein predictors and evolutionary conservation, supports that this variant does not alter protein structure/function; Has not been previously published as pathogenic or benign to our knowledge